The following is an entry in ClinVar:

NM_001297.5(CNGB1):c.3160C>T (p.Leu1054Phe)

Gene: CNGB1 (cyclic nucleotide gated channel subunit beta 1; minus strand). Cytogenetic location: 16q21.
Variant type: single nucleotide variant.
Coding change: c.3160C>T on transcript NM_001297.5 (MANE Select); coding-DNA position 3160, C replaced by T.
Protein change: p.Leu1054Phe; replaces leucine 1054 with phenylalanine.
Molecular consequence: missense variant.
Genome position (GRCh38, 1-based): chr16:57,897,479, G>A on the plus strand (C>T on the coding strand, the complement: CNGB1 is on the minus strand). VCF-style: chr16-57897479-G-A. GRCh37 (hg19) VCF-style: chr16-57931383-G-A.
Other names: c.3142C>T, p.Leu1048Phe (NM_001286130.2); short protein forms L1048F, L1054F.
Identifiers: ClinVar variation 2060357 (VCV002060357.4), dbSNP rs1418906616, ClinGen allele CA396066427.

ClinVar aggregate classification (germline): Uncertain significance (1 of 4 stars; one submission).

Allele frequency attached by ClinVar (database versions not stated): gnomAD exomes below 0.00001; gnomAD 0.00001.
gnomAD v4.1: 4 of 1,614,088 alleles (0.00025%); highest among the groups gnomAD compares: African/African-American, 0.0027%; no homozygotes.

Submission:

Labcorp Genetics (formerly Invitae), Labcorp
Classification: Uncertain significance. Last evaluated: 2022-03-04. Review status: criteria provided, single submitter. Criteria: Invitae Variant Classification Sherloc (09022015). Collection method: clinical testing. Allele origin: germline.
Comment: In summary, the available evidence is currently insufficient to determine the role of this variant in disease. Therefore, it has been classified as a Variant of Uncertain Significance. Advanced modeling of protein sequence and biophysical properties (such as structural, functional, and spatial information, amino acid conservation, physicochemical variation, residue mobility, and thermodynamic stability) performed at Invitae indicates that this missense variant is expected to disrupt CNGB1 protein function. This variant has not been reported in the literature in individuals affected with CNGB1-related conditions. This variant is present in population databases (no rsID available, gnomAD 0.007%). This sequence change replaces leucine, which is neutral and non-polar, with phenylalanine, which is neutral and non-polar, at codon 1054 of the CNGB1 protein (p.Leu1054Phe).